The following is an entry in ClinVar:

NM_025103.4(IFT74):c.1054+7396A>C

Gene: IFT74 (intraflagellar transport 74; plus strand). Cytogenetic location: 9p21.2.
Variant type: single nucleotide variant.
Coding change: c.1054+7396A>C on transcript NM_025103.4 (MANE Select); 7396 bases into the intron after coding-DNA position 1054, A replaced by C.
Molecular consequence: intron variant. On other transcripts: missense variant (1).
Genome position (GRCh38, 1-based): chr9:27,036,500, A>C. VCF-style: chr9-27036500-A-C. GRCh37 (hg19) VCF-style: chr9-27036498-A-C.
Other names: c.1105A>C, p.Lys369Gln (NM_001099224.3); c.1054+7396A>C (NM_001099223.3, NM_001099222.3, NM_001349928.2); short protein forms K369Q.
Identifiers: ClinVar variation 4979320 (VCV004979320.1).

ClinVar aggregate classification (germline): Uncertain significance (1 of 4 stars; one submission).

Conditions:
IFT74-related disorder. Also called: IFT74-Related Disorders; IFT74-related condition.

gnomAD v4.1: 5 of 1,613,752 alleles (0.00031%); highest among the groups gnomAD compares: Non-Finnish European, 0.00042%; no homozygotes.

Submission:

PreventionGenetics, part of Exact Sciences
Classification: Uncertain significance for IFT74-related condition. Last evaluated: 2026-06-08. Review status: criteria provided, single submitter. Criteria: ACMG Guidelines, 2015. Collection method: clinical testing. Allele origin: germline.
Comment: The IFT74 c.1105A>C variant is predicted to result in the amino acid substitution p.Lys369Gln. In an alternate transcript (NM_025103.2), this variant is found within an intronic region (c.1054+7396A>C). To our knowledge, this variant has not been reported in the literature. This variant is reported in 0.00091% of alleles in individuals of European (Non-Finnish) descent in gnomAD. At this time, the clinical significance of this variant is uncertain due to the absence of conclusive functional and genetic evidence.